The following is an entry in ClinVar:

NM_004304.5(ALK):c.597C>T (p.Gly199=)

Gene: ALK (ALK receptor tyrosine kinase; minus strand). Cytogenetic location: 2p23.1.
Variant type: single nucleotide variant.
Coding change: c.597C>T on transcript NM_004304.5 (MANE Select); coding-DNA position 597, C replaced by T.
Protein change: p.Gly199=; no amino-acid change (glycine 199 retained).
Molecular consequence: synonymous variant.
Genome position (GRCh38, 1-based): chr2:29,920,063, G>A on the plus strand (C>T on the coding strand, the complement: ALK is on the minus strand). VCF-style: chr2-29920063-G-A. GRCh37 (hg19) VCF-style: chr2-30142929-G-A.
Identifiers: ClinVar variation 335711 (VCV000335711.44), dbSNP rs200868013, ClinGen allele CA1594935.

ClinVar aggregate classification (germline): Benign/Likely benign. Review status: criteria provided, multiple submitters, no conflicts (2 of 4 stars). 7 submissions from 7 submitters: Benign (2); Likely benign (5). Last evaluated 2026-01-27.

Conditions:
Neuroblastoma, susceptibility to, 3. Also called: ALK-Related Neuroblastic Tumor Susceptibility. Identifiers: Orphanet 635, MedGen C2751681, MONDO:0013083, OMIM 613014.
Hereditary cancer-predisposing syndrome. Also called: Tumor predisposition; Hereditary Cancer Syndrome; Neoplastic Syndromes, Hereditary; Hereditary neoplastic syndrome. Identifiers: Orphanet 140162, MedGen C0027672, MeSH D009386, MONDO:0015356.

Allele frequency attached by ClinVar (database versions not stated): TOPMed 0.00010; gnomAD exomes 0.00011 and 0.00022; gnomAD 0.00012; ExAC 0.00022.
gnomAD v4.1: 203 of 1,614,066 alleles (0.013%); highest among the groups gnomAD compares: Middle Eastern, 0.25%; no homozygotes.

Submissions (7):

Labcorp Genetics (formerly Invitae), Labcorp
Classification: Benign for Neuroblastoma, susceptibility to, 3. Last evaluated: 2026-01-27. Review status: criteria provided, single submitter. Criteria: Invitae Variant Classification Sherloc (09022015). Collection method: clinical testing. Allele origin: germline.

Blueprint Genetics
Classification: Likely benign. Last evaluated: 2024-10-29. Review status: criteria provided, single submitter. Criteria: ACMG Guidelines, 2015. Collection method: clinical testing. Allele origin: germline.

CeGaT Center for Human Genetics Tuebingen
Classification: Likely benign. Last evaluated: 2023-02-01. Review status: criteria provided, single submitter. Criteria: CeGaT Center For Human Genetics Tuebingen Variant Classification Criteria Version 2. Collection method: clinical testing. Allele origin: germline. Affected: yes. Observed: 1 variant allele.
Comment: ALK: BP4, BP7

Ambry Genetics
Classification: Likely benign for Hereditary cancer-predisposing syndrome. Last evaluated: 2022-02-12. Review status: criteria provided, single submitter. Criteria: Ambry Variant Classification Scheme 2023. Collection method: clinical testing. Allele origin: germline.

Sema4
Classification: Benign for Hereditary cancer-predisposing syndrome. Last evaluated: 2021-02-07. Review status: criteria provided, single submitter. Criteria: Sema4 Curation Guidelines. Collection method: curation. Allele origin: germline.

Illumina Laboratory Services, Illumina
Classification: Likely benign for Neuroblastoma, susceptibility to, 3. Last evaluated: 2018-01-13. Review status: criteria provided, single submitter. Criteria: ICSL Variant Classification Criteria 13 December 2019. Collection method: clinical testing. Allele origin: germline.
Comment: This variant was observed in the ICSL laboratory as part of a predisposition screen in an ostensibly healthy population. It had not been previously curated by ICSL or reported in the Human Gene Mutation Database (HGMD: prior to June 1st, 2018), and was therefore a candidate for classification through an automated scoring system. Utilizing variant allele frequency, disease prevalence and penetrance estimates, and inheritance mode, an automated score was calculated to assess if this variant is too frequent to cause the disease. Based on the score and internal cut-off values, a variant classified as likely benign is not then subjected to further curation. The score for this variant resulted in a classification of likely benign for this disease.

Breakthrough Genomics
Classification: Likely benign. Review status: criteria provided, single submitter. Criteria: ACMG Guidelines, 2015. Collection method: not provided. Allele origin: germline. Inheritance: Unknown mechanism. Affected: yes.